The following is an entry in ClinVar:

NM_000687.4(AHCY):c.178A>G (p.Thr60Ala)

Gene: AHCY (adenosylhomocysteinase; minus strand). Cytogenetic location: 20q11.22.
Variant type: single nucleotide variant.
Coding change: c.178A>G on transcript NM_000687.4 (MANE Select); coding-DNA position 178, A replaced by G.
Protein change: p.Thr60Ala; replaces threonine 60 with alanine.
Molecular consequence: missense variant.
Genome position (GRCh38, 1-based): chr20:34,295,436, T>C on the plus strand (A>G on the coding strand, the complement: AHCY is on the minus strand). VCF-style: chr20-34295436-T-C. GRCh37 (hg19) VCF-style: chr20-32883242-T-C.
Other names: c.94A>G, p.Thr32Ala (NM_001161766.2, NM_001322084.2, NM_001322085.2); c.184A>G, p.Thr62Ala (NM_001322086.2); c.178A>G, p.Thr60Ala (NM_001362750.2); short protein forms T32A, T60A, T62A.
Identifiers: ClinVar variation 4746909 (VCV004746909.1).

ClinVar aggregate classification (germline): Uncertain significance (1 of 4 stars; one submission).

Conditions:
Hypermethioninemia with deficiency of S-adenosylhomocysteine hydrolase. Identifiers: Orphanet 88618, MedGen C3151058, MONDO:0013404, OMIM 613752.

Submission:

Labcorp Genetics (formerly Invitae), Labcorp
Classification: Uncertain significance for Hypermethioninemia with deficiency of S-adenosylhomocysteine hydrolase. Last evaluated: 2025-08-13. Review status: criteria provided, single submitter. Criteria: Invitae Variant Classification Sherloc (09022015). Collection method: clinical testing. Allele origin: germline.
Comment: This sequence change replaces threonine, which is neutral and polar, with alanine, which is neutral and non-polar, at codon 60 of the AHCY protein (p.Thr60Ala). This variant is not present in population databases (gnomAD no frequency). This variant has not been reported in the literature in individuals affected with AHCY-related conditions. Invitae Evidence Modeling of protein sequence and biophysical properties (such as structural, functional, and spatial information, amino acid conservation, physicochemical variation, residue mobility, and thermodynamic stability) indicates that this missense variant is expected to disrupt AHCY protein function with a positive predictive value of 95%. In summary, the available evidence is currently insufficient to determine the role of this variant in disease. Therefore, it has been classified as a Variant of Uncertain Significance.